The following is an entry in ClinVar:

NM_004523.4(KIF11):c.2138_2139del (p.Thr713fs)

Gene: KIF11 (kinesin family member 11; plus strand). Cytogenetic location: 10q23.33.
Variant type: Deletion.
Coding change: c.2138_2139del on transcript NM_004523.4 (MANE Select); coding-DNA positions 2138 to 2139, 2 bases deleted (CA; older notation c.2138_2139delCA).
Protein change: p.Thr713fs; shifts the reading frame from threonine 713.
Molecular consequence: frameshift variant.
Genome position (GRCh38, 1-based): chr10:92,637,523-92,637,524, CA deleted; deleting any 2 consecutive bases within chr10:92,637,522-92,637,524 gives the same sequence; the c. name uses the placement nearest the transcript's 3' end. VCF-style (leftmost placement, unchanged base first): chr10-92637521-GAC-G. GRCh37 (hg19) VCF-style: chr10-94397278-GAC-G.
Other names: short protein forms T713fs.
Identifiers: ClinVar variation 2013544 (VCV002013544.4), dbSNP rs2492525639, ClinGen allele CA2580082333.
Genomic context (GRCh38, chr10:92,637,521, plus strand): 5'-TACCATTTGTTCCTTGGTTGAGTCACAAAAGCAATGTGGAAACCTAACTGAAGACCTGAA[GAC>G]AATAAAGCAGACCCATTCCCAGGTATGTTGTTTAGCGGACTTGGGGAGTACAGAAAGAGA-3'

ClinVar aggregate classification (germline): Pathogenic (1 of 4 stars; one submission).

Submission:

Labcorp Genetics (formerly Invitae), Labcorp
Classification: Pathogenic. Last evaluated: 2022-07-03. Review status: criteria provided, single submitter. Criteria: Invitae Variant Classification Sherloc (09022015). Collection method: clinical testing. Allele origin: germline.
Comment: This variant has not been reported in the literature in individuals affected with KIF11-related conditions. This variant is not present in population databases (gnomAD no frequency). This sequence change creates a premature translational stop signal (p.Thr713Asnfs*28) in the KIF11 gene. It is expected to result in an absent or disrupted protein product. Loss-of-function variants in KIF11 are known to be pathogenic (PMID: 22284827, 24281367). For these reasons, this variant has been classified as Pathogenic.

Literature cited by the submitters: PubMed 22284827; PubMed 24281367.